The following is an entry in ClinVar:

ClinVar aggregate classification (germline): Uncertain significance. Review status: criteria provided, multiple submitters, no conflicts (2 of 4 stars). 3 submissions from 3 submitters: Uncertain significance (3). Last evaluated 2025-05-30.

Conditions:
Inborn genetic diseases. Identifiers: MedGen C0950123, MeSH D030342.

Allele frequency attached by ClinVar (database versions not stated): gnomAD 0.00001; gnomAD exomes 0.00001.
gnomAD v4.1: 12 of 1,544,784 alleles (0.00078%); highest among the groups gnomAD compares: East Asian, 0.025%; no homozygotes.

Submissions (3):

Ambry Genetics
Classification: Uncertain significance for Inborn genetic diseases. Last evaluated: 2025-05-30. Review status: criteria provided, single submitter. Criteria: Ambry Variant Classification Scheme 2023. Collection method: clinical testing. Allele origin: germline.

Labcorp Genetics (formerly Invitae), Labcorp
Classification: Uncertain significance. Last evaluated: 2025-05-27. Review status: criteria provided, single submitter. Criteria: Invitae Variant Classification Sherloc (09022015). Collection method: clinical testing. Allele origin: germline.
Comment: This sequence change replaces valine, which is neutral and non-polar, with aspartic acid, which is acidic and polar, at codon 670 of the EYS protein (p.Val670Asp). This variant is present in population databases (no rsID available, gnomAD 0.07%). This variant has not been reported in the literature in individuals affected with EYS-related conditions. ClinVar contains an entry for this variant (Variation ID: 2145922). Invitae Evidence Modeling of protein sequence and biophysical properties (such as structural, functional, and spatial information, amino acid conservation, physicochemical variation, residue mobility, and thermodynamic stability) indicates that this missense variant is not expected to disrupt EYS protein function with a negative predictive value of 80%. In summary, the available evidence is currently insufficient to determine the role of this variant in disease. Therefore, it has been classified as a Variant of Uncertain Significance.

Blueprint Genetics
Classification: Uncertain significance. Last evaluated: 2023-06-26. Review status: criteria provided, single submitter. Criteria: ACMG Guidelines, 2015. Collection method: clinical testing. Allele origin: germline.

NM_001142800.2(EYS):c.2009T>A (p.Val670Asp)

Gene: EYS (EGF-like photoreceptor maintenance factor; minus strand). Cytogenetic location: 6q12.
Variant type: single nucleotide variant.
Coding change: c.2009T>A on transcript NM_001142800.2 (MANE Select); coding-DNA position 2009, T replaced by A.
Protein change: p.Val670Asp; replaces valine 670 with aspartic acid.
Molecular consequence: missense variant.
Genome position (GRCh38, 1-based): chr6:65,295,877, A>T on the plus strand (T>A on the coding strand, the complement: EYS is on the minus strand). VCF-style: chr6-65295877-A-T. GRCh37 (hg19) VCF-style: chr6-66005770-A-T.
Other names: c.2009T>A (NM_001142800.1); c.2009T>A, p.Val670Asp (NM_001292009.2); short protein forms V670D.
Identifiers: ClinVar variation 2145922 (VCV002145922.4), dbSNP rs1293612350, ClinGen allele CA364659317.